The following is an entry in ClinVar:

ClinVar aggregate classification (germline): Benign/Likely benign. Review status: criteria provided, multiple submitters, no conflicts (2 of 4 stars). 3 submissions from 3 submitters: Benign (1); Likely benign (2). Last evaluated 2026-01-28.

Conditions:
Familial meningioma. Also called: Meningioma, familial, susceptibility to. Identifiers: Orphanet 263662, MedGen C3551915, MONDO:0011789, OMIM 607174.

Allele frequency attached by ClinVar (database versions not stated): gnomAD exomes 0.00021 and 0.00057; ExAC 0.00069; gnomAD 0.00212 and 0.00232; TOPMed 0.00213; 1000 Genomes Project 30x 0.00219; 1000 Genomes Project 0.00240; ESP Exome Variant Server 0.00246.
gnomAD v4.1: 657 of 1,609,510 alleles (0.041%); highest among the groups gnomAD compares: African/African-American, 0.75%; 3 homozygotes.

Submissions (3):

Labcorp Genetics (formerly Invitae), Labcorp
Classification: Benign for Familial meningioma. Last evaluated: 2026-01-28. Review status: criteria provided, single submitter. Criteria: Invitae Variant Classification Sherloc (09022015). Collection method: clinical testing. Allele origin: germline.

Blueprint Genetics
Classification: Likely benign. Last evaluated: 2024-10-07. Review status: criteria provided, single submitter. Criteria: ACMG Guidelines, 2015. Collection method: clinical testing. Allele origin: germline.

CeGaT Center for Human Genetics Tuebingen
Classification: Likely benign. Last evaluated: 2023-01-01. Review status: criteria provided, single submitter. Criteria: CeGaT Center For Human Genetics Tuebingen Variant Classification Criteria Version 2. Collection method: clinical testing. Allele origin: germline. Affected: yes. Observed: 3 variant alleles.
Comment: SMARCE1: BS1

NM_003079.5(SMARCE1):c.369+12G>T

Gene: SMARCE1 (SWI/SNF related BAF chromatin remodeling complex subunit E1; minus strand). Cytogenetic location: 17q21.2.
Variant type: single nucleotide variant.
Coding change: c.369+12G>T on transcript NM_003079.5 (MANE Select); 12 bases into the intron after coding-DNA position 369, G replaced by T.
Molecular consequence: intron variant.
Genome position (GRCh38, 1-based): chr17:40,636,383, C>A on the plus strand (G>T on the coding strand, the complement: SMARCE1 is on the minus strand). VCF-style: chr17-40636383-C-A. GRCh37 (hg19) VCF-style: chr17-38792635-C-A.
Identifiers: ClinVar variation 1579689 (VCV001579689.33), dbSNP rs58739414, ClinGen allele CA8545265.
Genomic context (GRCh38, chr17:40,636,383, plus strand): 5'-CTTTTATAAATAGTAAGCCAATGTTTTATGTACTTTACACATTATCTATCCCACTGTGAG[C>A]CCCTACCCTACCTTTTCTGCTTCGTATTCGTTTAAATATTCTTGTTTTTCTTCATCAGTG-3'